The following is an entry in ClinVar:

ClinVar aggregate classification (germline): Pathogenic/Likely pathogenic. Review status: criteria provided, multiple submitters, no conflicts (2 of 4 stars). 12 submissions from 12 submitters: Pathogenic (10); Likely pathogenic (1). 1 of the submissions does not count toward it. Last evaluated 2025-11-10.

Conditions:
NAGLU-related disorder. Also called: NAGLU-related condition.
Severe intellectual disability. Identifiers: MedGen C0036857, HP:0010864.
Mucopolysacchariduria. Identifiers: MedGen C4024726, HP:0008155.
Abnormal facial shape. Also called: Dysmorphic facies; Dysmorphic facial features. Identifiers: MedGen C0424503, HP:0001999.
Hypertrichosis. Also called: excessive hair growth. Identifiers: Orphanet 79365, MedGen C0020555, MONDO:0019280, HP:0000998.
Abnormality of metabolism/homeostasis. Identifiers: MedGen C4021768, HP:0001939.
Coarse facial features. Identifiers: MedGen C1845847, HP:0000280.
Thick eyebrow. Identifiers: MedGen C1853487, HP:0000574.
Hepatosplenomegaly. Identifiers: MedGen C0019214, HP:0001433.
Mucopolysaccharidosis, MPS-III-B (MPS3B). Also called: N-ACETYL-ALPHA-D-GLUCOSAMINIDASE DEFICIENCY; NAGLU DEFICIENCY; SANFILIPPO SYNDROME B; Mucopolysaccharidosis type IIIB (Sanfilippo B); MUCOPOLYSACCHARIDOSIS, TYPE IIIB; MPS III B. Identifiers: Orphanet 79270, MedGen C0086648, MONDO:0009656, OMIM 252920.
Charcot-Marie-Tooth disease axonal type 2V. Also called: CHARCOT-MARIE-TOOTH NEUROPATHY, TYPE 2V; CHARCOT-MARIE-TOOTH DISEASE, AXONAL, AUTOSOMAL DOMINANT, TYPE 2V. Identifiers: Orphanet 447964, MedGen C5569050, MONDO:0014665, OMIM 616491.

Allele frequency attached by ClinVar (database versions not stated): gnomAD 0.00002; gnomAD exomes 0.00002 and 0.00003; TOPMed 0.00004; ExAC 0.00005.

Submissions (12):

Labcorp Genetics (formerly Invitae), Labcorp
Classification: Pathogenic for Charcot-Marie-Tooth disease axonal type 2V; Mucopolysaccharidosis, MPS-III-B. Last evaluated: 2025-11-10. Review status: criteria provided, single submitter. Criteria: Invitae Variant Classification Sherloc (09022015). Collection method: clinical testing. Allele origin: germline.
Comment: This sequence change replaces tyrosine, which is neutral and polar, with cysteine, which is neutral and slightly polar, at codon 140 of the NAGLU protein (p.Tyr140Cys). This variant is present in population databases (rs753520553, gnomAD 0.006%). This missense change has been observed in individuals with autosomal recessive mucopolysaccharidosis IIIB (PMID: 9443875, 9443878, 9950362, 11153910, 26907177). It has also been observed to segregate with disease in related individuals. ClinVar contains an entry for this variant (Variation ID: 371634). Invitae Evidence Modeling of protein sequence and biophysical properties (such as structural, functional, and spatial information, amino acid conservation, physicochemical variation, residue mobility, and thermodynamic stability) indicates that this missense variant is expected to disrupt NAGLU protein function with a positive predictive value of 95%. For these reasons, this variant has been classified as Pathogenic.

Natera, Inc.
Classification: Pathogenic for Mucopolysaccharidosis type IIIB. Last evaluated: 2025-08-26. Review status: criteria provided, single submitter. Criteria: Natera Variant Classification Schema (03/2026). Collection method: clinical testing. Allele origin: germline.
Comment: The c.419A>G variant in NAGLU is a missense variant predicted to cause substitution of tyrosine to cysteine at amino acid 140. This variant is rare in the general population with a frequency below the threshold expected for the associated phenotype(s). This variant has been observed in one or more individuals affected with the associated recessive disease, as either homozygous or compound heterozygous with a second variant (PMID: 21204211). Computational prediction algorithms indicate this variant is likely to affect gene or protein function. Given the available evidence, this variant is classified as Pathogenic.

GeneDx
Classification: Pathogenic. Last evaluated: 2025-01-30. Review status: criteria provided, single submitter. Criteria: GeneDx Variant Classification Process June 2021. Collection method: clinical testing. Allele origin: germline. Affected: yes.
Comment: Published functional studies demonstrate that this variant results in decreased NAGLU enzymatic activity (PMID: 29979746); Identified in patients with clinical features of NAGLU-related mucopolysaccharidosis type 3 in published literature (PMID: 36855989, 14984474, 9443875); Not observed at significant frequency in large population cohorts (gnomAD); In silico analysis supports that this missense variant has a deleterious effect on protein structure/function; This variant is associated with the following publications: (PMID: 35982160, 35982159, 14984474, 9443875, 34806811, 28713035, 35709957, 9950362, 36468061, 26907177, 30809705, Mohammed2019[CaseReport], 22976768, 36855989, 11153910, 9443878, Christensen2017[CaseReport], 29979746, 9832037)

Blueprint Genetics
Classification: Pathogenic for NAGLU-related disorders. Last evaluated: 2024-11-25. Review status: criteria provided, single submitter. Criteria: ACMG Guidelines, 2015. Collection method: clinical testing. Allele origin: germline. Affected: yes. Observed: 2 variant alleles.

Laboratory of Medical Genetics, National & Kapodistrian University of Athens
Classification: Pathogenic for Mucopolysaccharidosis, MPS-III-B. Last evaluated: 2024-02-01. Review status: criteria provided, single submitter. Criteria: ACMG Guidelines, 2015. Collection method: curation. Allele origin: germline. Affected: no.

Fulgent Genetics
Classification: Pathogenic for Mucopolysaccharidosis, MPS-III-B; Charcot-Marie-Tooth disease axonal type 2V. Last evaluated: 2024-01-29. Review status: criteria provided, single submitter. Criteria: ACMG Guidelines, 2015. Collection method: clinical testing. Allele origin: germline.

Baylor Genetics
Classification: Pathogenic for Mucopolysaccharidosis, MPS-III-B. Last evaluated: 2023-06-08. Review status: criteria provided, single submitter. Criteria: ACMG Guidelines, 2015. Collection method: clinical testing. Allele origin: unknown.

CeGaT Center for Human Genetics Tuebingen
Classification: Pathogenic. Last evaluated: 2022-07-01. Review status: criteria provided, single submitter. Criteria: CeGaT Center For Human Genetics Tuebingen Variant Classification Criteria Version 2. Collection method: clinical testing. Allele origin: germline. Affected: yes. Observed: 1 variant allele.
Comment: NAGLU: PM3:Very Strong, PM2, PS3:Moderate, PP3

Laboratory of Diagnosis and Therapy of Lysosomal Disorders, University of Padova
Classification: Likely pathogenic for Mucopolysaccharidosis, MPS-III-B. Last evaluated: 2019-01-01. Review status: criteria provided, single submitter. Criteria: ACMG Guidelines, 2015. Collection method: literature only. Allele origin: germline. Affected: yes.
Comment: PS3: Low in vitro enzymatic activity. PM2: Very low frequency in ExAC

Women's Health and Genetics/Laboratory Corporation of America, LabCorp
Classification: Pathogenic for Mucopolysaccharidosis, MPS-III-B. Last evaluated: 2018-07-06. Review status: criteria provided, single submitter. Criteria: LabCorp Variant Classification Summary - May 2015. Collection method: clinical testing. Allele origin: germline.
Comment: Variant summary: NAGLU c.419A>G (p.Tyr140Cys) results in a non-conservative amino acid change located in the Alpha-N-acetylglucosaminidase, tim-barrel domain of the encoded protein sequence. Five of five in-silico tools predict a damaging effect of the variant on protein function. The variant allele was found at a frequency of 3.2e-05 in 246256 control chromosomes (gnomAD). The variant, c.419A>G, has been reported in the literature in multiple compound heterozygote and homozygote individuals affected with Mucopolysaccharidosis Type IIIB (Sanfilippo Syndrome B)(Beesley_1998, Bunge_1998, Meijer_2016, Tessitore_2000). These data indicate that the variant is very likely to be associated with disease. The affected patients were found to have significantly decreased enzyme activity (<10%)(Beesley_1998). Two ClinVar submissions from clinical diagnostic laboratories (evaluation after 2014) cite the variant as "pathogenic." Based on the evidence outlined above, the variant was classified as pathogenic.

Centre for Mendelian Genomics, University Medical Centre Ljubljana
Classification: Pathogenic for Abnormal facial shape; Abnormality of metabolism/homeostasis; Coarse facial features; Hepatosplenomegaly; Hypertrichosis; Severe intellectual disability; Mucopolysacchariduria; Thick eyebrow. Last evaluated: 2017-01-01. Review status: criteria provided, single submitter. Criteria: ACMG Guidelines, 2015. Collection method: clinical testing. Allele origin: unknown. Affected: yes.

Counsyl
Classification: Pathogenic for Mucopolysaccharidosis, MPS-III-B. Last evaluated: 2016-11-04. Review status: no assertion criteria provided. Collection method: clinical testing. Allele origin: unknown. Not counted in ClinVar's aggregate classification.

Literature cited by the submitters: PubMed 9443875 (cited by 3 submitters); PubMed 9443878 (cited by 3 submitters); PubMed 9950362 (cited by 3 submitters); PubMed 11153910 (cited by 3 submitters); PubMed 26907177 (cited by Labcorp Genetics (formerly Invitae), Labcorp); PubMed 21204211 (cited by Natera, Inc.); PubMed 30809705 (cited by Laboratory of Diagnosis and Therapy of Lysosomal Disorders, University of Padova); PubMed 9832037 (cited by Women's Health and Genetics/Laboratory Corporation of America, LabCorp and Counsyl); PubMed 14984474 (cited by Counsyl).

NM_000263.4(NAGLU):c.419A>G (p.Tyr140Cys)

Gene: NAGLU (N-acetyl-alpha-glucosaminidase; plus strand). Cytogenetic location: 17q21.2.
Variant type: single nucleotide variant.
Coding change: c.419A>G on transcript NM_000263.4 (MANE Select); coding-DNA position 419, A replaced by G.
Protein change: p.Tyr140Cys; replaces tyrosine 140 with cysteine.
Molecular consequence: missense variant.
Genome position (GRCh38, 1-based): chr17:42,537,433, A>G. VCF-style: chr17-42537433-A-G. GRCh37 (hg19) VCF-style: chr17-40689451-A-G.
Other names: short protein forms Y140C.
Identifiers: ClinVar variation 371634 (VCV000371634.52), dbSNP rs753520553, ClinGen allele CA8576764.